The following is an entry in ClinVar:

NM_014639.4(SKIC3):c.2468A>G (p.Asn823Ser)

Gene: SKIC3 (SKI3 subunit of superkiller complex; minus strand). Cytogenetic location: 5q15.
Variant type: single nucleotide variant.
Coding change: c.2468A>G on transcript NM_014639.4 (MANE Select); coding-DNA position 2468, A replaced by G.
Protein change: p.Asn823Ser; replaces asparagine 823 with serine.
Molecular consequence: missense variant.
Genome position (GRCh38, 1-based): chr5:95,516,719, T>C on the plus strand (A>G on the coding strand, the complement: SKIC3 is on the minus strand). VCF-style: chr5-95516719-T-C. GRCh37 (hg19) VCF-style: chr5-94852423-T-C.
Other names: short protein forms N823S.
Identifiers: ClinVar variation 3342022 (VCV003342022.16).
Genomic context (GRCh38, chr5:95,516,719, plus strand): 5'-ACTCAATTCTCACCACTGTAACATGCAACCACACCAAGAGCATTCCAGTATAAGTGATTA[T>C]TACTGTCGAGTCTCACTGCTTTTTTCAGACACTGAAAAGAAGTTAAATTAGATTAATTTT-3'
Protein context (NP_055454.1, residues 813-833): CLKKAVRLDS[Asn823Ser]NHLYWNALGV

ClinVar aggregate classification (germline): Uncertain significance (1 of 4 stars; one submission).

Submission:

CeGaT Center for Human Genetics Tuebingen
Classification: Uncertain significance. Last evaluated: 2024-08-01. Review status: criteria provided, single submitter. Criteria: CeGaT Center For Human Genetics Tuebingen Variant Classification Criteria Version 2. Collection method: clinical testing. Allele origin: germline. Affected: yes. Observed: 1 variant allele.
Comment: SKIC3: PM2, BP4